The following is an entry in ClinVar:

ClinVar aggregate classification (germline): Benign. Review status: criteria provided, multiple submitters, no conflicts (2 of 4 stars). 5 submissions from 5 submitters: Benign (5). Last evaluated 2026-02-02.

Allele frequency attached by ClinVar (database versions not stated): gnomAD exomes 0.00262 and 0.00732; ExAC 0.00901; gnomAD 0.02408 and 0.02578; TOPMed 0.02703; 1000 Genomes Project 0.02796; ESP Exome Variant Server 0.03037; 1000 Genomes Project 30x 0.03139.

Submissions (5):

Labcorp Genetics (formerly Invitae), Labcorp
Classification: Benign. Last evaluated: 2026-02-02. Review status: criteria provided, single submitter. Criteria: Invitae Variant Classification Sherloc (09022015). Collection method: clinical testing. Allele origin: germline.

Mayo Clinic Laboratories, Mayo Clinic
Classification: Benign. Last evaluated: 2023-09-10. Review status: criteria provided, single submitter. Criteria: ACMG Guidelines, 2015. Collection method: clinical testing. Allele origin: germline. Observed: 12 variant alleles.

Women's Health and Genetics/Laboratory Corporation of America, LabCorp
Classification: Benign. Last evaluated: 2022-02-22. Review status: criteria provided, single submitter. Criteria: LabCorp Variant Classification Summary - May 2015. Collection method: clinical testing. Allele origin: germline.
Comment: Variant summary: DTNBP1 c.667+2C>T is located in a canonical splice-site. Several computational tools predict the variant strengthens/creates a canonical 5' donor site. However, these predictions have yet to be confirmed by functional studies. The variant allele was found at a frequency of 0.0073 in 251232 control chromosomes, predominantly at a frequency of 0.087 within the African or African-American subpopulation in the gnomAD database, including 75 homozygotes. The observed variant frequency within African or African-American control individuals in the gnomAD database is approximately 550-fold of the estimated maximal expected allele frequency for a pathogenic variant in DTNBP1 causing Hermansky-Pudlak Syndrome phenotype (0.00016), strongly suggesting that the variant is a benign polymorphism found primarily in populations of African or African-American origin. To our knowledge, no occurrence of c.667+2C>T in individuals affected with Hermansky-Pudlak Syndrome and no experimental evidence demonstrating its impact on protein function have been reported. Three ClinVar submitters (evaluation after 2014) cite the variant as benign. Based on the evidence outlined above, the variant was classified as benign.

GeneDx
Classification: Benign. Last evaluated: 2018-10-27. Review status: criteria provided, single submitter. Criteria: GeneDx Variant Classification Process June 2021. Collection method: clinical testing. Allele origin: germline. Affected: yes.

Laboratory for Molecular Medicine, Mass General Brigham Personalized Medicine
Classification: Benign. Last evaluated: 2015-08-12. Review status: criteria provided, single submitter. Criteria: LMM Criteria. Collection method: clinical testing. Allele origin: germline. Observed: 2 variant alleles.
Comment: c.667+2C>T in intron 8 of DTNBP1: This variant is not expected to have clinical significance because it has been identified in 8.9% (920/10324) of African chrom osomes by the Exome Aggregation Consortium (ExAC ; dbSNP rs61739410).

NM_032122.5(DTNBP1):c.667+2C>T

Gene: DTNBP1 (dystrobrevin binding protein 1; minus strand). Cytogenetic location: 6p22.3.
Variant type: single nucleotide variant.
Coding change: c.667+2C>T on transcript NM_032122.5 (MANE Select); the canonical splice donor site of the intron after coding-DNA position 667, C replaced by T.
Molecular consequence: splice donor variant.
Genome position (GRCh38, 1-based): chr6:15,533,238, G>A on the plus strand (C>T on the coding strand, the complement: DTNBP1 is on the minus strand). VCF-style: chr6-15533238-G-A. GRCh37 (hg19) VCF-style: chr6-15533469-G-A.
Other names: c.562+2C>T (NM_001271669.2); c.616+2C>T (NM_001271668.2); c.424+2C>T (NM_001271667.2); c.667+2C>T (NM_183040.2).
Identifiers: ClinVar variation 226619 (VCV000226619.20), dbSNP rs61739410, ClinGen allele CA3643964.